The following is an entry in ClinVar:

ClinVar aggregate classification (germline): Conflicting classifications of pathogenicity. Review status: criteria provided, conflicting classifications (1 of 4 stars). 3 submissions from 3 submitters: Uncertain significance (2); Likely benign (1). Last evaluated 2025-07-16.

Allele frequency attached by ClinVar (database versions not stated): gnomAD 0.00001 and 0.00005; ExAC 0.00003; gnomAD exomes 0.00004 and 0.00011; TOPMed 0.00012.
gnomAD v4.1: 125 of 1,210,046 alleles (0.01%); highest among the groups gnomAD compares: Middle Eastern, 0.023%; no homozygotes.

Submissions (4):

Labcorp Genetics (formerly Invitae), Labcorp
Classification: Uncertain significance. Last evaluated: 2025-07-16. Review status: criteria provided, single submitter. Criteria: Invitae Variant Classification Sherloc (09022015). Collection method: clinical testing. Allele origin: germline.
Comment: This sequence change replaces alanine, which is neutral and non-polar, with valine, which is neutral and non-polar, at codon 607 of the SH3KBP1 protein (p.Ala607Val). This variant is present in population databases (rs200596121, gnomAD 0.007%). This variant has not been reported in the literature in individuals affected with SH3KBP1-related conditions. ClinVar contains an entry for this variant (Variation ID: 1420744). Invitae Evidence Modeling of protein sequence and biophysical properties (such as structural, functional, and spatial information, amino acid conservation, physicochemical variation, residue mobility, and thermodynamic stability) indicates that this missense variant is not expected to disrupt SH3KBP1 protein function with a negative predictive value of 80%. In summary, the available evidence is currently insufficient to determine the role of this variant in disease. Therefore, it has been classified as a Variant of Uncertain Significance.

Ambry Genetics
Classification: Uncertain significance. Last evaluated: 2023-03-01. Review status: criteria provided, single submitter. Criteria: Ambry Variant Classification Scheme 2023. Collection method: clinical testing. Allele origin: germline.

CeGaT Center for Human Genetics Tuebingen
Classification: Likely benign. Last evaluated: 2023-01-01. Review status: criteria provided, single submitter. Criteria: CeGaT Center For Human Genetics Tuebingen Variant Classification Criteria Version 2. Collection method: clinical testing. Allele origin: germline. Affected: yes. Observed: 1 variant allele.
Comment: SH3KBP1: BP4, BS2

Dr. Peter K. Rogan Lab, Western University
No classification provided (evidence only). Condition: Thyroid cancer, nonmedullary, 1. Review status: no classification provided. Collection method: in vitro. Allele origin: not applicable. Functional consequence: retained intron. Not counted in ClinVar's aggregate classification.

NM_031892.3(SH3KBP1):c.1820C>T (p.Ala607Val)

Gene: SH3KBP1 (SH3 domain containing kinase binding protein 1; minus strand). Cytogenetic location: Xp22.12.
Variant type: single nucleotide variant.
Coding change: c.1820C>T on transcript NM_031892.3 (MANE Select); coding-DNA position 1820, C replaced by T.
Protein change: p.Ala607Val; replaces alanine 607 with valine.
Molecular consequence: missense variant.
Genome position (GRCh38, 1-based): chrX:19,541,997, G>A on the plus strand (C>T on the coding strand, the complement: SH3KBP1 is on the minus strand). VCF-style: chrX-19541997-G-A. GRCh37 (hg19) VCF-style: chrX-19560115-G-A.
Other names: c.1709C>T, p.Ala570Val (NM_001024666.3); c.1106C>T, p.Ala369Val (NM_001184960.2); c.1691C>T, p.Ala564Val (NM_001353890.2); c.1895C>T, p.Ala632Val (NM_001353891.2); c.1766C>T, p.Ala589Val (NM_001353892.2); c.1718C>T, p.Ala573Val (NM_001353893.2); c.1589C>T, p.Ala530Val (NM_001353894.2); c.1646C>T, p.Ala549Val (NM_001353895.2); and 2 more; short protein forms A573V, A530V, A589V, A607V, A632V, A369V, A549V, A564V.
Identifiers: ClinVar variation 1420744 (VCV001420744.31), dbSNP rs200596121, ClinGen allele CA10364439.